The following is an entry in ClinVar:

ClinVar aggregate classification (germline): Uncertain significance. Review status: criteria provided, multiple submitters, no conflicts (2 of 4 stars). 2 submissions from 2 submitters: Uncertain significance (2). Last evaluated 2025-12-04.

Conditions:
Emery-Dreifuss muscular dystrophy 5, autosomal dominant (EDMD5). Also called: EMERY-DREIFUSS MUSCULAR DYSTROPHY 5. Identifiers: Orphanet 261, MedGen C2751805, MONDO:0013072, OMIM 612999.

Allele frequency attached by ClinVar (database versions not stated): ExAC 0.00001; gnomAD 0.00001; TOPMed 0.00001; ESP Exome Variant Server 0.00008.
gnomAD v4.1: 36 of 1,613,982 alleles (0.0022%); highest among the groups gnomAD compares: Non-Finnish European, 0.0028%; no homozygotes.

Submissions (2):

Ambry Genetics
Classification: Uncertain significance. Last evaluated: 2025-12-04. Review status: criteria provided, single submitter. Criteria: Ambry Variant Classification Scheme 2023. Collection method: clinical testing. Allele origin: germline.

Labcorp Genetics (formerly Invitae), Labcorp
Classification: Uncertain significance for Emery-Dreifuss muscular dystrophy 5, autosomal dominant. Last evaluated: 2025-06-04. Review status: criteria provided, single submitter. Criteria: Invitae Variant Classification Sherloc (09022015). Collection method: clinical testing. Allele origin: germline.
Comment: This sequence change replaces arginine, which is basic and polar, with histidine, which is basic and polar, at codon 6659 of the SYNE2 protein (p.Arg6659His). This variant is present in population databases (rs149820891, gnomAD 0.002%). This variant has not been reported in the literature in individuals affected with SYNE2-related conditions. ClinVar contains an entry for this variant (Variation ID: 2045022). An algorithm developed to predict the effect of missense changes on protein structure and function outputs the following: PolyPhen-2: "Benign". The histidine amino acid residue is found in multiple mammalian species, which suggests that this missense change does not adversely affect protein function. In summary, the available evidence is currently insufficient to determine the role of this variant in disease. Therefore, it has been classified as a Variant of Uncertain Significance.

NM_182914.3(SYNE2):c.19976G>A (p.Arg6659His)

Gene: SYNE2 (spectrin repeat containing nuclear envelope protein 2; plus strand). Cytogenetic location: 14q23.2.
Variant type: single nucleotide variant.
Coding change: c.19976G>A on transcript NM_182914.3 (MANE Select); coding-DNA position 19976, G replaced by A.
Protein change: p.Arg6659His; replaces arginine 6659 with histidine.
Molecular consequence: missense variant.
Genome position (GRCh38, 1-based): chr14:64,220,552, G>A. VCF-style: chr14-64220552-G-A. GRCh37 (hg19) VCF-style: chr14-64687270-G-A.
Other names: c.19976G>A (NM_182914.2); c.19907G>A, p.Arg6636His (NM_015180.6); c.500G>A, p.Arg167His (NM_182910.2); c.878G>A, p.Arg293His (NM_182913.4); short protein forms R6659H, R6636H, R167H, R293H.
Identifiers: ClinVar variation 2045022 (VCV002045022.5), dbSNP rs149820891, ClinGen allele CA7224651.